The following is an entry in ClinVar:

ClinVar aggregate classification (germline): Likely benign (1 of 4 stars; one submission).

Conditions:
PLXNA4-related disorder. Also called: PLXNA4-related condition.

Submission:

PreventionGenetics, part of Exact Sciences
Classification: Likely benign for PLXNA4-related condition. Last evaluated: 2025-10-12. Review status: criteria provided, single submitter. Criteria: ACMG Guidelines, 2015. Collection method: clinical testing. Allele origin: germline.
Comment: This variant is classified as likely benign based on ACMG/AMP sequence variant interpretation guidelines (Richards et al. 2015 PMID: 25741868, with internal and published modifications).

NM_020911.2(PLXNA4):c.1372-6C>T

Gene: PLXNA4 (plexin A4; minus strand). Cytogenetic location: 7q32.3.
Variant type: single nucleotide variant.
Coding change: c.1372-6C>T on transcript NM_020911.2 (MANE Select); 6 bases into the intron before coding-DNA position 1372, C replaced by T.
Molecular consequence: intron variant.
Genome position (GRCh38, 1-based): chr7:132,298,228, G>A on the plus strand (C>T on the coding strand, the complement: PLXNA4 is on the minus strand). VCF-style: chr7-132298228-G-A. GRCh37 (hg19) VCF-style: chr7-131982987-G-A.
Other names: c.1372-6C>T (NM_001393897.1).
Identifiers: ClinVar variation 4996599 (VCV004996599.1).